The following is an entry in ClinVar:

ClinVar aggregate classification (germline): Uncertain significance (1 of 4 stars; one submission).

Allele frequency attached by ClinVar (database versions not stated): gnomAD 0.00003; TOPMed 0.00003.

Submission:

Labcorp Genetics (formerly Invitae), Labcorp
Classification: Uncertain significance. Last evaluated: 2022-08-31. Review status: criteria provided, single submitter. Criteria: Invitae Variant Classification Sherloc (09022015). Collection method: clinical testing. Allele origin: germline.
Comment: This sequence change replaces alanine, which is neutral and non-polar, with valine, which is neutral and non-polar, at codon 964 of the CACNA1B protein (p.Ala964Val). The frequency data for this variant in the population databases is considered unreliable, as metrics indicate poor data quality at this position in the gnomAD database. This variant has not been reported in the literature in individuals affected with CACNA1B-related conditions. Advanced modeling of protein sequence and biophysical properties (such as structural, functional, and spatial information, amino acid conservation, physicochemical variation, residue mobility, and thermodynamic stability) performed at Invitae indicates that this missense variant is not expected to disrupt CACNA1B protein function. In summary, the available evidence is currently insufficient to determine the role of this variant in disease. Therefore, it has been classified as a Variant of Uncertain Significance.

NM_000718.4(CACNA1B):c.2891C>T (p.Ala964Val)

Gene: CACNA1B (calcium voltage-gated channel subunit alpha1 B; plus strand). Cytogenetic location: 9q34.3.
Variant type: single nucleotide variant.
Coding change: c.2891C>T on transcript NM_000718.4 (MANE Select); coding-DNA position 2891, C replaced by T.
Protein change: p.Ala964Val; replaces alanine 964 with valine.
Molecular consequence: missense variant.
Genome position (GRCh38, 1-based): chr9:138,023,634, C>T. VCF-style: chr9-138023634-C-T. GRCh37 (hg19) VCF-style: chr9-140918086-C-T.
Other names: c.2891C>T, p.Ala964Val (NM_001243812.2); short protein forms A964V.
Identifiers: ClinVar variation 1899122 (VCV001899122.2), dbSNP rs1387686530, ClinGen allele CA375810355.
Genomic context (GRCh38, chr9:138,023,634, plus strand): 5'-GCAAGGAGTGCGCCGGCGCCAAGGGCGAGCGGCGCGCGCGGCACCGCGGCGGCCCCCGAG[C>T]GGGGCCCCGGGAGGCGGAGAGCGGGGAGGAGCCGGCGCGGCGGCACCGGGCCCGGCACAA-3'
Protein context (NP_000709.1, residues 954-974): RRARHRGGPR[Ala964Val]GPREAESGEE